The following is an entry in ClinVar:

NM_004104.5(FASN):c.2334C>G (p.Ser778Arg)

Gene: FASN (fatty acid synthase; minus strand). Cytogenetic location: 17q25.3.
Variant type: single nucleotide variant.
Coding change: c.2334C>G on transcript NM_004104.5 (MANE Select); coding-DNA position 2334, C replaced by G.
Protein change: p.Ser778Arg; replaces serine 778 with arginine.
Molecular consequence: missense variant.
Genome position (GRCh38, 1-based): chr17:82,088,847, G>C on the plus strand (C>G on the coding strand, the complement: FASN is on the minus strand). VCF-style: chr17-82088847-G-C. GRCh37 (hg19) VCF-style: chr17-80046723-G-C.
Other names: short protein forms S778R.
Identifiers: ClinVar variation 935675 (VCV000935675.9), dbSNP rs754835400, ClinGen allele CA8852823.

ClinVar aggregate classification (germline): Uncertain significance (1 of 4 stars; one submission).

Conditions:
Epileptic encephalopathy. Identifiers: MedGen C0543888, HP:0200134.

Allele frequency attached by ClinVar (database versions not stated): TOPMed 0.00001; ExAC 0.00003.
gnomAD v4.1: 9 of 1,612,582 alleles (0.00056%); highest among the groups gnomAD compares: Non-Finnish European, 0.00076%; no homozygotes.

Submission:

Labcorp Genetics (formerly Invitae), Labcorp
Classification: Uncertain significance for Epileptic encephalopathy. Last evaluated: 2020-01-24. Review status: criteria provided, single submitter. Criteria: Invitae Variant Classification Sherloc (09022015). Collection method: clinical testing. Allele origin: germline.
Comment: This sequence change replaces serine with arginine at codon 778 of the FASN protein (p.Ser778Arg). The serine residue is weakly conserved and there is a moderate physicochemical difference between serine and arginine. This variant is present in population databases (rs754835400, ExAC 0.005%). This variant has not been reported in the literature in individuals with FASN-related conditions. Algorithms developed to predict the effect of missense changes on protein structure and function are either unavailable or do not agree on the potential impact of this missense change (SIFT: "Deleterious"; PolyPhen-2: "Benign"; Align-GVGD: "Class C0"). Algorithms developed to predict the effect of sequence changes on RNA splicing suggest that this variant may create or strengthen a splice site, but this prediction has not been confirmed by published transcriptional studies. In summary, the available evidence is currently insufficient to determine the role of this variant in disease. Therefore, it has been classified as a Variant of Uncertain Significance.